The following is an entry in ClinVar:

ClinVar aggregate classification (germline): Benign/Likely benign. Review status: criteria provided, multiple submitters, no conflicts (2 of 4 stars). 4 submissions from 4 submitters: Benign (2); Likely benign (2). Last evaluated 2026-06-01.

Conditions:
BPTF-related disorder. Also called: BPTF-related condition.

Allele frequency attached by ClinVar (database versions not stated): 1000 Genomes Project 0.00040; 1000 Genomes Project 30x 0.00062; TOPMed 0.00161; ESP Exome Variant Server 0.00169; ExAC 0.00177.
gnomAD v4.1: 4,394 of 1,611,368 alleles (0.27%); highest among the groups gnomAD compares: Non-Finnish European, 0.33%; 19 homozygotes.

Submissions (4):

CeGaT Center for Human Genetics Tuebingen
Classification: Likely benign. Last evaluated: 2026-06-01. Review status: criteria provided, single submitter. Criteria: CeGaT Center For Human Genetics Tuebingen Variant Classification Criteria Version 2. Collection method: clinical testing. Allele origin: germline. Affected: yes. Observed: 10 variant alleles.
Comment: BPTF: BP4, BP7, BS2

Labcorp Genetics (formerly Invitae), Labcorp
Classification: Benign. Last evaluated: 2026-01-23. Review status: criteria provided, single submitter. Criteria: Invitae Variant Classification Sherloc (09022015). Collection method: clinical testing. Allele origin: germline.

PreventionGenetics, part of Exact Sciences
Classification: Likely benign for BPTF-related condition. Last evaluated: 2025-05-07. Review status: criteria provided, single submitter. Criteria: ACMG Guidelines, 2015. Collection method: clinical testing. Allele origin: germline.
Comment: This variant is classified as likely benign based on ACMG/AMP sequence variant interpretation guidelines (Richards et al. 2015 PMID: 25741868, with internal and published modifications).

Breakthrough Genomics
Classification: Benign. Review status: criteria provided, single submitter. Criteria: ACMG Guidelines, 2015. Collection method: not provided. Allele origin: germline. Inheritance: Autosomal dominant inheritance. Affected: yes.

NM_182641.4(BPTF):c.4155T>A (p.Thr1385=)

Gene: BPTF (bromodomain PHD finger transcription factor; plus strand). Cytogenetic location: 17q24.2.
Variant type: single nucleotide variant.
Coding change: c.4155T>A on transcript NM_182641.4 (MANE Select); coding-DNA position 4155, T replaced by A.
Protein change: p.Thr1385=; no amino-acid change (threonine 1385 retained).
Molecular consequence: synonymous variant.
Genome position (GRCh38, 1-based): chr17:67,912,039, T>A. VCF-style: chr17-67912039-T-A. GRCh37 (hg19) VCF-style: chr17-65908155-T-A.
Other names: c.4533T>A, p.Thr1511= (NM_004459.7); c.4155T>A (NM_182641.3).
Identifiers: ClinVar variation 727867 (VCV000727867.33), dbSNP rs138069789, ClinGen allele CA8725761.